The following is an entry in ClinVar:

NM_024675.4(PALB2):c.-145G>C

Gene: PALB2 (partner and localizer of BRCA2; minus strand). Cytogenetic location: 16p12.2.
Variant type: single nucleotide variant.
Coding change: c.-145G>C on transcript NM_024675.4 (MANE Select); 145 bases upstream of the start codon, G replaced by C.
Molecular consequence: 5 prime UTR variant.
Genome position (GRCh38, 1-based): chr16:23,641,302, C>G on the plus strand (G>C on the coding strand, the complement: PALB2 is on the minus strand). VCF-style: chr16-23641302-C-G. GRCh37 (hg19) VCF-style: chr16-23652623-C-G.
Identifiers: ClinVar variation 126570 (VCV000126570.3), dbSNP rs373698818, ClinGen allele CA269466.

ClinVar aggregate classification (germline): Likely benign (0 of 4 stars; one submission).

Conditions:
Familial cancer of breast. Also called: BREAST CANCER, FAMILIAL; hereditary breast carcinoma; Hereditary breast cancer. Identifiers: Orphanet 227535, MedGen C0346153, MONDO:0016419, OMIM 114480. Disease mechanism: loss of function.

gnomAD v4.1: 4 of 1,160,828 alleles (0.00034%); no homozygotes.

Submission:

Leiden Open Variation Database
Classification: Likely benign for Familial cancer of breast. Last evaluated: 2019-05-13. Review status: no assertion criteria provided. Collection method: curation. Allele origin: germline. Affected: yes.
Comment: Curators: Marc Tischkowitz, Arleen D. Auerbach. Submitter to LOVD: Marc Tischkowitz.

Literature cited by the submitters: PubMed 23824750.